The following is an entry in ClinVar:

ClinVar aggregate classification (germline): Likely benign. Review status: criteria provided, multiple submitters, no conflicts (2 of 4 stars). 2 submissions from 2 submitters: Likely benign (2). Last evaluated 2025-07-24.

Conditions:
CDKN2A-related disorder. Also called: CDKN2A-related condition.

Submissions (2):

PreventionGenetics, part of Exact Sciences
Classification: Likely benign for CDKN2A-related condition. Last evaluated: 2025-07-24. Review status: criteria provided, single submitter. Criteria: ACMG Guidelines, 2015. Collection method: clinical testing. Allele origin: germline.
Comment: This variant is classified as likely benign based on ACMG/AMP sequence variant interpretation guidelines (Richards et al. 2015 PMID: 25741868, with internal and published modifications).

Center for Genomic Medicine, Rigshospitalet, Copenhagen University Hospital
Classification: Likely benign. Last evaluated: 2025-03-04. Review status: criteria provided, single submitter. Criteria: ACMG Guidelines, 2015. Collection method: clinical testing. Allele origin: germline.

NM_000077.5(CDKN2A):c.150+25G>T

Gene: CDKN2A (cyclin dependent kinase inhibitor 2A; minus strand). Cytogenetic location: 9p21.3.
Variant type: single nucleotide variant.
Coding change: c.150+25G>T on transcript NM_000077.5 (MANE Select); 25 bases into the intron after coding-DNA position 150, G replaced by T.
Molecular consequence: intron variant. On other transcripts: missense variant (1).
Genome position (GRCh38, 1-based): chr9:21,974,653, C>A on the plus strand (G>T on the coding strand, the complement: CDKN2A is on the minus strand). VCF-style: chr9-21974653-C-A. GRCh37 (hg19) VCF-style: chr9-21974652-C-A.
Other names: c.175G>T (NM_058197.4); c.175G>T, p.Ala59Ser (NM_058197.5); c.-3-3445G>T (NM_001363763.2); c.194-3445G>T (NM_058195.4); c.150+25G>T (NM_001195132.2); short protein forms A59S.
Identifiers: ClinVar variation 3765461 (VCV003765461.2).